The following is an entry in ClinVar:

NM_020937.4(FANCM):c.6075T>G (p.Tyr2025Ter)

Gene: FANCM (FA complementation group M; plus strand). Cytogenetic location: 14q21.2.
Variant type: single nucleotide variant.
Coding change: c.6075T>G on transcript NM_020937.4 (MANE Select); coding-DNA position 6075, T replaced by G.
Protein change: p.Tyr2025Ter; replaces tyrosine 2025 with a stop codon.
Molecular consequence: nonsense.
Genome position (GRCh38, 1-based): chr14:45,199,936, T>G. VCF-style: chr14-45199936-T-G. GRCh37 (hg19) VCF-style: chr14-45669139-T-G.
Other names: c.5997T>G, p.Tyr1999Ter (NM_001308133.2); short protein forms Y2025*, Y1999*.
Identifiers: ClinVar variation 2026204 (VCV002026204.4), dbSNP rs180764458, ClinGen allele CA389588277.

ClinVar aggregate classification (germline): Uncertain significance (1 of 4 stars; one submission).

Conditions:
Fanconi anemia (FA). Also called: Fanconi's anemia. Identifiers: Orphanet 84, MedGen C0015625, MeSH D005199, MONDO:0019391.

Submission:

Labcorp Genetics (formerly Invitae), Labcorp
Classification: Uncertain significance for Fanconi anemia. Last evaluated: 2022-08-22. Review status: criteria provided, single submitter. Criteria: Invitae Variant Classification Sherloc (09022015). Collection method: clinical testing. Allele origin: germline.
Comment: In summary, the available evidence is currently insufficient to determine the role of this variant in disease. Therefore, it has been classified as a Variant of Uncertain Significance. Experimental studies and prediction algorithms are not available or were not evaluated, and the functional significance of this variant is currently unknown. This variant has not been reported in the literature in individuals affected with FANCM-related conditions. This variant is not present in population databases (gnomAD no frequency). This sequence change creates a premature translational stop signal (p.Tyr2025*) in the FANCM gene. While this is not anticipated to result in nonsense mediated decay, it is expected to disrupt the last 24 amino acid(s) of the FANCM protein.